The following is an entry in ClinVar:

NM_006231.4(POLE):c.6232C>T (p.Arg2078Trp)

Gene: POLE (DNA polymerase epsilon, catalytic subunit; minus strand). Cytogenetic location: 12q24.33.
Variant type: single nucleotide variant.
Coding change: c.6232C>T on transcript NM_006231.4 (MANE Select); coding-DNA position 6232, C replaced by T.
Protein change: p.Arg2078Trp; replaces arginine 2078 with tryptophan.
Molecular consequence: missense variant.
Genome position (GRCh38, 1-based): chr12:132,632,413, G>A on the plus strand (C>T on the coding strand, the complement: POLE is on the minus strand). VCF-style: chr12-132632413-G-A. GRCh37 (hg19) VCF-style: chr12-133208999-G-A.
Other names: short protein forms R2078W.
Identifiers: ClinVar variation 405835 (VCV000405835.14), dbSNP rs1060500867, ClinGen allele CA16613771.

ClinVar aggregate classification (germline): Uncertain significance. Review status: criteria provided, multiple submitters, no conflicts (2 of 4 stars). 3 submissions from 3 submitters: Uncertain significance (3). Last evaluated 2026-01-01.

Conditions:
Hereditary cancer-predisposing syndrome. Also called: Hereditary Cancer Syndrome; Hereditary neoplastic syndrome; Neoplastic Syndromes, Hereditary; Tumor predisposition. Identifiers: Orphanet 140162, MedGen C0027672, MeSH D009386, MONDO:0015356.

Allele frequency attached by ClinVar (database versions not stated): gnomAD exomes 0.00001 and 0.00002; TOPMed 0.00001.

Submissions (3):

Labcorp Genetics (formerly Invitae), Labcorp
Classification: Uncertain significance. Last evaluated: 2026-01-01. Review status: criteria provided, single submitter. Criteria: Invitae Variant Classification Sherloc (09022015). Collection method: clinical testing. Allele origin: germline.
Comment: This sequence change replaces arginine, which is basic and polar, with tryptophan, which is neutral and slightly polar, at codon 2078 of the POLE protein (p.Arg2078Trp). This variant is present in population databases (no rsID available, gnomAD 0.009%). This variant has not been reported in the literature in individuals affected with POLE-related conditions. ClinVar contains an entry for this variant (Variation ID: 405835). An algorithm developed to predict the effect of missense changes on protein structure and function (PolyPhen-2) suggests that this variant is likely to be disruptive. In summary, the available evidence is currently insufficient to determine the role of this variant in disease. Therefore, it has been classified as a Variant of Uncertain Significance.

Ambry Genetics
Classification: Uncertain significance for Hereditary cancer-predisposing syndrome. Last evaluated: 2025-03-21. Review status: criteria provided, single submitter. Criteria: Ambry Variant Classification Scheme 2023. Collection method: clinical testing. Allele origin: germline.
Comment: The p.R2078W variant (also known as c.6232C>T), located in coding exon 45 of the POLE gene, results from a C to T substitution at nucleotide position 6232. The arginine at codon 2078 is replaced by tryptophan, an amino acid with dissimilar properties. This amino acid position is highly conserved in available vertebrate species. In addition, the in silico prediction for this alteration is inconclusive. Based on the available evidence, the clinical significance of this variant remains unclear.

GeneDx
Classification: Uncertain significance. Last evaluated: 2016-10-12. Review status: criteria provided, single submitter. Criteria: GeneDx Variant Classification (06012015). Collection method: clinical testing. Allele origin: germline. Affected: yes.
Comment: This variant is denoted POLE c.6232C>T at the cDNA level, p.Arg2078Trp (R2078W) at the protein level, and results in the change of an Arginine to a Tryptophan (CGG>TGG). This variant has not, to our knowledge, been published in the literature as pathogenic or benign. POLE Arg2078Trp was not observed in approximately 6,500 individuals of European and African American ancestry in the NHLBI Exome Sequencing Project, suggesting it is not a common benign variant in these populations. Since Arginine and Tryptophan differ in polarity, charge, size or other properties, this is considered a non-conservative amino acid substitution. POLE Arg2078Trp occurs at a position that is conserved across species and is not located in a known functional domain (Tahirov 2009, Preston 2010). In silico analyses predict that this variant is probably damaging to protein structure and function. Based on currently available evidence, it is unclear whether POLE Arg2078Trp is a pathogenic or benign variant. We consider it to be a variant of uncertain significance.